The following is an entry in ClinVar:

NM_001134363.3(RBM20):c.3574-35_3574-20delinsATGAAGAGG

Gene: RBM20 (RNA binding motif protein 20; plus strand). Cytogenetic location: 10q25.2.
Variant type: Indel.
Coding change: c.3574-35_3574-20delinsATGAAGAGG on transcript NM_001134363.3 (MANE Select); 35 bases into the intron before coding-DNA position 3574 through 20 bases into the intron before coding-DNA position 3574, TGCCCCTTCCTCCACT replaced by ATGAAGAGG.
Molecular consequence: intron variant.
Genome position (GRCh38, 1-based): chr10:110,835,833-110,835,848, TGCCCCTTCCTCCACT replaced by ATGAAGAGG. VCF-style: chr10-110835833-TGCCCCTTCCTCCACT-ATGAAGAGG. GRCh37 (hg19) VCF-style: chr10-112595591-TGCCCCTTCCTCCACT-ATGAAGAGG.
Identifiers: ClinVar variation 4727424 (VCV004727424.1).

ClinVar aggregate classification (germline): Uncertain significance (1 of 4 stars; one submission).

Conditions:
Dilated cardiomyopathy 1DD (CMD1DD). Identifiers: Orphanet 154, MedGen C2750995, MONDO:0013168, OMIM 613172.

Submission:

Labcorp Genetics (formerly Invitae), Labcorp
Classification: Uncertain significance for Dilated cardiomyopathy 1DD. Last evaluated: 2025-09-30. Review status: criteria provided, single submitter. Criteria: Invitae Variant Classification Sherloc (09022015). Collection method: clinical testing. Allele origin: germline.
Comment: This sequence change falls in intron 13 of the RBM20 gene. It does not directly change the encoded amino acid sequence of the RBM20 protein. This variant is not present in population databases (gnomAD no frequency). This variant has not been reported in the literature in individuals affected with RBM20-related conditions. Experimental studies and prediction algorithms are not available or were not evaluated, and the effect of this variant on mRNA splicing is currently unknown. In summary, the available evidence is currently insufficient to determine the role of this variant in disease. Therefore, it has been classified as a Variant of Uncertain Significance.